The following is an entry in ClinVar:

NM_002471.4(MYH6):c.58G>C (p.Glu20Gln)

Genes: MYH6 (myosin heavy chain 6; minus strand), LOC114827851 (VISTA enhancer hs2155; plus strand). Cytogenetic location: 14q11.2.
Variant type: single nucleotide variant.
Coding change: c.58G>C on transcript NM_002471.4 (MANE Select); coding-DNA position 58, G replaced by C.
Protein change: p.Glu20Gln; replaces glutamic acid 20 with glutamine.
Molecular consequence: missense variant.
Genome position (GRCh38, 1-based): chr14:23,407,166, C>G on the plus strand (G>C on the coding strand, the complement: MYH6 is on the minus strand). VCF-style: chr14-23407166-C-G. GRCh37 (hg19) VCF-style: chr14-23876375-C-G.
Other names: short protein forms E20Q.
Identifiers: ClinVar variation 3642337 (VCV003642337.2).

ClinVar aggregate classification (germline): Uncertain significance (1 of 4 stars; one submission).

Conditions:
Hypertrophic cardiomyopathy 14. Identifiers: MedGen C2750467, MONDO:0013197, OMIM 613251.

gnomAD v4.1: 3 of 1,614,276 alleles (0.00019%); highest among the groups gnomAD compares: Non-Finnish European, 0.00025%; no homozygotes.

Submission:

Labcorp Genetics (formerly Invitae), Labcorp
Classification: Uncertain significance for Hypertrophic cardiomyopathy 14. Last evaluated: 2024-10-16. Review status: criteria provided, single submitter. Criteria: Invitae Variant Classification Sherloc (09022015). Collection method: clinical testing. Allele origin: germline.
Comment: This sequence change replaces glutamic acid, which is acidic and polar, with glutamine, which is neutral and polar, at codon 20 of the MYH6 protein (p.Glu20Gln). This variant is not present in population databases (gnomAD no frequency). This variant has not been reported in the literature in individuals affected with MYH6-related conditions. Invitae Evidence Modeling of protein sequence and biophysical properties (such as structural, functional, and spatial information, amino acid conservation, physicochemical variation, residue mobility, and thermodynamic stability) indicates that this missense variant is not expected to disrupt MYH6 protein function with a negative predictive value of 80%. In summary, the available evidence is currently insufficient to determine the role of this variant in disease. Therefore, it has been classified as a Variant of Uncertain Significance.